The following is an entry in ClinVar:

ClinVar aggregate classification (germline): Likely benign. Review status: criteria provided, multiple submitters, no conflicts (2 of 4 stars). 3 submissions from 3 submitters: Likely benign (3). Last evaluated 2025-10-01.

Conditions:
Spastic paraplegia. Identifiers: MedGen C0037772, HP:0001258.

Allele frequency attached by ClinVar (database versions not stated): gnomAD 0.00001 and 0.00002; ExAC 0.00002; TOPMed 0.00002; gnomAD exomes 0.00003.
gnomAD v4.1: 59 of 1,613,968 alleles (0.0037%); highest among the groups gnomAD compares: South Asian, 0.0077%; no homozygotes.

Submissions (3):

CeGaT Center for Human Genetics Tuebingen
Classification: Likely benign. Last evaluated: 2025-10-01. Review status: criteria provided, single submitter. Criteria: CeGaT Center For Human Genetics Tuebingen Variant Classification Criteria Version 2. Collection method: clinical testing. Allele origin: germline. Affected: yes. Observed: 1 variant allele.
Comment: ZFYVE26: BP4, BP7

Labcorp Genetics (formerly Invitae), Labcorp
Classification: Likely benign for Spastic paraplegia. Last evaluated: 2025-08-26. Review status: criteria provided, single submitter. Criteria: Invitae Variant Classification Sherloc (09022015). Collection method: clinical testing. Allele origin: germline.

Blueprint Genetics
Classification: Likely benign. Last evaluated: 2024-10-23. Review status: criteria provided, single submitter. Criteria: ACMG Guidelines, 2015. Collection method: clinical testing. Allele origin: germline.

NM_015346.4(ZFYVE26):c.6189C>T (p.Thr2063=)

Gene: ZFYVE26 (zinc finger FYVE-type containing 26; minus strand). Cytogenetic location: 14q24.1.
Variant type: single nucleotide variant.
Coding change: c.6189C>T on transcript NM_015346.4 (MANE Select); coding-DNA position 6189, C replaced by T.
Protein change: p.Thr2063=; no amino-acid change (threonine 2063 retained).
Molecular consequence: synonymous variant.
Genome position (GRCh38, 1-based): chr14:67,762,383, G>A on the plus strand (C>T on the coding strand, the complement: ZFYVE26 is on the minus strand). VCF-style: chr14-67762383-G-A. GRCh37 (hg19) VCF-style: chr14-68229100-G-A.
Identifiers: ClinVar variation 1099630 (VCV001099630.16), dbSNP rs777612795, ClinGen allele CA7239288.